The following is an entry in ClinVar:

ClinVar aggregate classification (germline): Likely benign. Review status: criteria provided, multiple submitters, no conflicts (2 of 4 stars). 3 submissions from 3 submitters: Likely benign (3). Last evaluated 2026-08-01.

Allele frequency attached by ClinVar (database versions not stated): gnomAD 0.00014 and 0.00036; TOPMed 0.00024; ESP Exome Variant Server 0.00031; gnomAD exomes 0.00075 and 0.00127; 1000 Genomes Project 0.00100; 1000 Genomes Project 30x 0.00109; ExAC 0.00139.
gnomAD v4.1: 1,165 of 1,613,980 alleles (0.072%); highest among the groups gnomAD compares: South Asian, 0.97%; 14 homozygotes.

Submissions (3):

CeGaT Center for Human Genetics Tuebingen
Classification: Likely benign. Last evaluated: 2026-08-01. Review status: criteria provided, single submitter. Criteria: CeGaT Center For Human Genetics Tuebingen Variant Classification Criteria Version 2. Collection method: clinical testing. Allele origin: germline. Affected: yes. Observed: 8 variant alleles.
Comment: TECR: BP4, BP7, BS2

Genetic Services Laboratory, University of Chicago
Classification: Likely benign. Last evaluated: 2016-05-05. Review status: criteria provided, single submitter. Criteria: ACMG Guidelines, 2015. Collection method: clinical testing. Allele origin: germline. Affected: no.

Breakthrough Genomics
Classification: Likely benign. Review status: criteria provided, single submitter. Criteria: ACMG Guidelines, 2015. Collection method: not provided. Allele origin: germline. Inheritance: Autosomal recessive inheritance. Affected: yes.

NM_138501.6(TECR):c.552C>T (p.Tyr184=)

Gene: TECR (trans-2,3-enoyl-CoA reductase; plus strand). Cytogenetic location: 19p13.12.
Variant type: single nucleotide variant.
Coding change: c.552C>T on transcript NM_138501.6 (MANE Select); coding-DNA position 552, C replaced by T.
Protein change: p.Tyr184=; no amino-acid change (tyrosine 184 retained).
Molecular consequence: synonymous variant.
Genome position (GRCh38, 1-based): chr19:14,564,848, C>T. VCF-style: chr19-14564848-C-T. GRCh37 (hg19) VCF-style: chr19-14675660-C-T.
Other names: c.597C>T, p.Tyr199= (NM_001321170.1).
Identifiers: ClinVar variation 436973 (VCV000436973.31), dbSNP rs117833765, ClinGen allele CA9255206.
Genomic context (GRCh38, chr19:14,564,848, plus strand): 5'-CTGCACCTACTACTGGGGCTTCGCCGCGTGGATGGCCTATTACATCAATCACCCTCTCTA[C>T]ACTCCCCCTAGTAAGTGGCCTCAGACCATCCTTCCCTCCCCCACGGTCCCCACCCAGCGG-3'
Protein context (NP_612510.1, residues 174-194): WMAYYINHPL[Tyr184=]TPPTYGAQQV